The following is an entry in ClinVar:

ClinVar aggregate classification (germline): Pathogenic (1 of 4 stars; one submission).

Conditions:
Aniridia 1 (AN1). Identifiers: Orphanet 250923, MedGen C0344542, MONDO:0024507, OMIM 106210.
Irido-corneo-trabecular dysgenesis (ASGD5). Also called: ANTERIOR SEGMENT DYSGENESIS 5. Identifiers: Orphanet 708, MedGen C0344559, MONDO:0011414, OMIM 604229, HP:0000659.

Submission:

Labcorp Genetics (formerly Invitae), Labcorp
Classification: Pathogenic for Aniridia 1; Irido-corneo-trabecular dysgenesis. Last evaluated: 2025-08-31. Review status: criteria provided, single submitter. Criteria: Invitae Variant Classification Sherloc (09022015). Collection method: clinical testing. Allele origin: germline.
Comment: This sequence change affects an acceptor splice site in intron 8 of the PAX6 gene. It is expected to disrupt RNA splicing. Variants that disrupt the donor or acceptor splice site typically lead to a loss of protein function (PMID: 16199547), and loss-of-function variants in PAX6 are known to be pathogenic (PMID: 12634864). This variant is not present in population databases (gnomAD no frequency). Disruption of this splice site has been observed in individual(s) with aniridia (PMID: 28321846). In at least one individual the variant was observed to be de novo. Algorithms developed to predict the effect of sequence changes on RNA splicing suggest that this variant may disrupt the consensus splice site. For these reasons, this variant has been classified as Pathogenic.

Literature cited by the submitters: PubMed 16199547; PubMed 12634864; PubMed 28321846.

NM_001368894.2(PAX6):c.725-1G>A

Gene: PAX6 (paired box 6; minus strand). Cytogenetic location: 11p13.
Variant type: single nucleotide variant.
Coding change: c.725-1G>A on transcript NM_001368894.2 (MANE Select); the canonical splice acceptor site of the intron before coding-DNA position 725, G replaced by A.
Molecular consequence: splice acceptor variant.
Genome position (GRCh38, 1-based): chr11:31,794,115, C>T on the plus strand (G>A on the coding strand, the complement: PAX6 is on the minus strand). VCF-style: chr11-31794115-C-T. GRCh37 (hg19) VCF-style: chr11-31815663-C-T.
Other names: c.683-1G>A (NM_001127612.3, NM_001368890.2, NM_001368888.2 and 10 more transcripts); c.524-1G>A (NM_001368921.2, NM_001368923.2, NM_001368926.2 and 4 more transcripts); c.725-1G>A (NM_001258462.3, NM_001310158.2, NM_001258463.2 and 6 more transcripts); c.800-1G>A (NM_001368919.2, NM_001368918.2); c.926-1G>A (NM_001368910.2); c.275-1G>A (NM_001368909.2, NM_001368904.2, NM_001368905.2 and 11 more transcripts); c.728-1G>A (NM_001368911.2); c.482-1G>A (NM_001368928.2); and 2 more.
Identifiers: ClinVar variation 4783872 (VCV004783872.1).